The following is an entry in ClinVar:

NM_002016.2(FLG):c.1158C>A (p.Ser386=)

Genes: CCDST (cervical cancer associated DHX9 suppressive transcript; plus strand), FLG (filaggrin; minus strand). Cytogenetic location: 1q21.3.
Variant type: single nucleotide variant.
Coding change: c.1158C>A on transcript NM_002016.2 (MANE Select); coding-DNA position 1158, C replaced by A.
Protein change: p.Ser386=; no amino-acid change (serine 386 retained).
Molecular consequence: synonymous variant. On other transcripts: non-coding transcript variant (1).
Genome position (GRCh38, 1-based): chr1:152,313,728, G>T on the plus strand (C>A on the coding strand, the complement: FLG is on the minus strand). VCF-style: chr1-152313728-G-T. GRCh37 (hg19) VCF-style: chr1-152286204-G-T.
Identifiers: ClinVar variation 2639322 (VCV002639322.24), dbSNP rs139754714, ClinGen allele CA1107769.

ClinVar aggregate classification (germline): Benign (1 of 4 stars; one submission).

Allele frequency attached by ClinVar (database versions not stated): 1000 Genomes Project 0.00559; 1000 Genomes Project 30x 0.00593; ESP Exome Variant Server 0.01269.

Submission:

CeGaT Center for Human Genetics Tuebingen
Classification: Benign. Last evaluated: 2024-02-01. Review status: criteria provided, single submitter. Criteria: CeGaT Center For Human Genetics Tuebingen Variant Classification Criteria Version 2. Collection method: clinical testing. Allele origin: germline. Affected: yes. Observed: 3 variant alleles.
Comment: FLG: BP4, BP7, BS1, BS2